The following is an entry in ClinVar:

NM_001165963.4(SCN1A):c.5777A>G (p.Tyr1926Cys)

Genes: SCN1A (sodium voltage-gated channel alpha subunit 1; minus strand), LOC102724058 (uncharacterized LOC102724058; plus strand). Cytogenetic location: 2q24.3.
Variant type: single nucleotide variant.
Coding change: c.5777A>G on transcript NM_001165963.4 (MANE Select); coding-DNA position 5777, A replaced by G.
Protein change: p.Tyr1926Cys; replaces tyrosine 1926 with cysteine.
Molecular consequence: missense variant. On other transcripts: non-coding transcript variant (1).
Genome position (GRCh38, 1-based): chr2:165,991,498, T>C on the plus strand (A>G on the coding strand, the complement: SCN1A is on the minus strand). VCF-style: chr2-165991498-T-C. GRCh37 (hg19) VCF-style: chr2-166848008-T-C.
Other names: c.5777A>G (NM_001165963.3); c.5693A>G, p.Tyr1898Cys (NM_001165964.3, NM_001353957.2, NM_001353958.2); c.5777A>G, p.Tyr1926Cys (NM_001202435.3, NM_001353948.2); c.5744A>G, p.Tyr1915Cys (NM_001353949.2, NM_001353950.2, NM_001353951.2 and 2 more transcripts); c.5741A>G, p.Tyr1914Cys (NM_001353954.2, NM_001353955.2); c.5690A>G, p.Tyr1897Cys (NM_001353960.2); c.3335A>G, p.Tyr1112Cys (NM_001353961.2); short protein forms Y1915C, Y1926C, Y1112C, Y1897C, Y1898C, Y1914C.
Identifiers: ClinVar variation 449673 (VCV000449673.20), dbSNP rs376669368, ClinGen allele CA1942643.

ClinVar aggregate classification (germline): Conflicting classifications of pathogenicity. Review status: criteria provided, conflicting classifications (1 of 4 stars). 4 submissions from 4 submitters: Uncertain significance (3); Likely benign (1). Last evaluated 2026-06-04.

Conditions:
Early-infantile DEE. Also called: Early infantile epileptic encephalopathy with suppression bursts; Ohtahara syndrome; Early infantile epileptic encephalopathy. Identifiers: Orphanet 1934, MedGen C0393706, MONDO:0800491.
Inborn genetic diseases. Identifiers: MedGen C0950123, MeSH D030342.

Allele frequency attached by ClinVar (database versions not stated): gnomAD exomes 0.00001 and below 0.00001; ExAC 0.00001; TOPMed 0.00001; ESP Exome Variant Server 0.00008.
gnomAD v4.1: 11 of 1,613,968 alleles (0.00068%); highest among the groups gnomAD compares: Non-Finnish European, 0.00093%; no homozygotes.

Submissions (4):

Ambry Genetics
Classification: Uncertain significance for Inborn genetic diseases. Last evaluated: 2026-06-04. Review status: criteria provided, single submitter. Criteria: Ambry Variant Classification Scheme 2023. Collection method: clinical testing. Allele origin: germline.
Comment: The c.5777A>G (p.Y1926C) alteration is located in exon 26 (coding exon 26) of the SCN1A gene. This alteration results from a A to G substitution at nucleotide position 5777, causing the tyrosine (Y) at amino acid position 1926 to be replaced by a cysteine (C). Based on data from gnomAD, the G allele has an overall frequency of <0.001% (1/250726) total alleles studied. The highest observed frequency was 0.001% (1/113118) of European (non-Finnish) alleles. This amino acid position is not well conserved in available vertebrate species. Based on insufficient or conflicting evidence, the clinical significance of this alteration remains unclear.

Labcorp Genetics (formerly Invitae), Labcorp
Classification: Likely benign for Early-infantile DEE. Last evaluated: 2025-03-15. Review status: criteria provided, single submitter. Criteria: Invitae Variant Classification Sherloc (09022015). Collection method: clinical testing. Allele origin: germline.

GeneDx
Classification: Uncertain significance. Last evaluated: 2025-01-11. Review status: criteria provided, single submitter. Criteria: GeneDx Variant Classification Process June 2021. Collection method: clinical testing. Allele origin: germline. Affected: yes.
Comment: Not observed at significant frequency in large population cohorts (gnomAD); In silico analysis supports that this missense variant has a deleterious effect on protein structure/function; This substitution is predicted to be within the C-terminal cytoplasmic domain and IQ domain; This variant is associated with the following publications: (PMID: 38388889, 18804930, 37058916, 37955180)

Greenwood Genetic Center Diagnostic Laboratories, Greenwood Genetic Center
Classification: Uncertain significance. Last evaluated: 2023-01-12. Review status: criteria provided, single submitter. Criteria: ACMG Guidelines, 2015. Collection method: clinical testing. Allele origin: germline. Affected: yes.
Comment: PP2, PP3

Literature cited by the submitters: PubMed 38388889 (cited by Ambry Genetics).